The following is an entry in ClinVar:

ClinVar aggregate classification (germline): Uncertain significance. Review status: criteria provided, multiple submitters, no conflicts (2 of 4 stars). 4 submissions from 4 submitters: Uncertain significance (4). Last evaluated 2025-10-16.

Conditions:
Hereditary cancer-predisposing syndrome. Also called: Hereditary neoplastic syndrome; Neoplastic Syndromes, Hereditary; Tumor predisposition; Hereditary Cancer Syndrome. Identifiers: Orphanet 140162, MedGen C0027672, MeSH D009386, MONDO:0015356.
Familial cancer of breast. Also called: BREAST CANCER, FAMILIAL; Hereditary breast cancer; hereditary breast carcinoma. Identifiers: Orphanet 227535, MedGen C0346153, MONDO:0016419, OMIM 114480. Disease mechanism: loss of function.

Allele frequency attached by ClinVar (database versions not stated): TOPMed 0.00001.
gnomAD v4.1: 1 of 1,613,992 alleles (0.000062%); highest among the groups gnomAD compares: Non-Finnish European, 0.000085%; no homozygotes.

Submissions (4):

Labcorp Genetics (formerly Invitae), Labcorp
Classification: Uncertain significance for Familial cancer of breast. Last evaluated: 2025-10-16. Review status: criteria provided, single submitter. Criteria: Invitae Variant Classification Sherloc (09022015). Collection method: clinical testing. Allele origin: germline.
Comment: This sequence change replaces lysine, which is basic and polar, with glutamic acid, which is acidic and polar, at codon 253 of the CHEK2 protein (p.Lys253Glu). This variant is not present in population databases (gnomAD no frequency). This missense change has been observed in individual(s) with a personal or family history of breast and/or ovarian cancer (PMID: 27553368, 30303537). ClinVar contains an entry for this variant (Variation ID: 185057). An algorithm developed to predict the effect of missense changes on protein structure and function (PolyPhen-2) suggests that this variant is likely to be disruptive. Experimental studies have shown that this missense change does not substantially affect CHEK2 function (PMID: 27553368). In summary, the available evidence is currently insufficient to determine the role of this variant in disease. Therefore, it has been classified as a Variant of Uncertain Significance.

GeneDx
Classification: Uncertain significance. Last evaluated: 2025-02-20. Review status: criteria provided, single submitter. Criteria: GeneDx Variant Classification Process June 2021. Collection method: clinical testing. Allele origin: germline. Affected: yes.
Comment: Not observed at significant frequency in large population cohorts (gnomAD); In silico analysis supports that this missense variant has a deleterious effect on protein structure/function; Observed in individuals with a personal and family history of breast and/or ovarian cancer (PMID: 27553368, 30303537); Published functional studies suggest a neutral effect: demonstrates auto-phosphorylation and kinase activity comparable to wild type in yeast and human-cell assays (PMID: 37449874); This variant is associated with the following publications: (PMID: 22419737, 19782031, 27553368, 30303537, 37449874)

Ambry Genetics
Classification: Uncertain significance for Hereditary cancer-predisposing syndrome. Last evaluated: 2024-10-07. Review status: criteria provided, single submitter. Criteria: Ambry Variant Classification Scheme 2023. Collection method: clinical testing. Allele origin: germline.
Comment: The p.K253E variant (also known as c.757A>G), located in coding exon 5 of the CHEK2 gene, results from an A to G substitution at nucleotide position 757. The lysine at codon 253 is replaced by glutamic acid, an amino acid with similar properties. This variant was identified in 1/80 Portuguese patients with hereditary breast and/ovarian cancer who had negative BRCA1/2 testing (Pinto P et al. Breast Cancer Res Treat, 2016 Sep;159:245-56). This variant was also identified in 1/1207 cases of French women diagnosed with breast cancer who had a sister with breast cancer and were BRCA1/2 negative and 0/1199 general population controls (Girard E et al. Int J Cancer, 2019 Apr;144:1962-1974). This variant was reported as functional in a study assessing CHEK2-complementation through quantification of KAP1 phosphorylation and CHK2 autophosphorylation in human RPE1-CHEK2-knockout cells (Stolarova L et al. Clin Cancer Res, 2023 Aug;29:3037-3050). This amino acid position is highly conserved in available vertebrate species. In addition, this alteration is predicted to be deleterious by in silico analysis. Based on the available evidence, the clinical significance of this variant remains unclear.

Baylor Genetics
Classification: Uncertain significance for Familial cancer of breast. Last evaluated: 2023-12-07. Review status: criteria provided, single submitter. Criteria: ACMG Guidelines, 2015. Collection method: clinical testing. Allele origin: unknown.

Literature cited by the submitters: PubMed 27553368 (cited by Labcorp Genetics (formerly Invitae), Labcorp and Ambry Genetics); PubMed 30303537 (cited by Labcorp Genetics (formerly Invitae), Labcorp and Ambry Genetics); PubMed 37449874 (cited by Ambry Genetics).

NM_007194.4(CHEK2):c.757A>G (p.Lys253Glu)

Gene: CHEK2 (checkpoint kinase 2; minus strand). Cytogenetic location: 22q12.1.
Variant type: single nucleotide variant.
Coding change: c.757A>G on transcript NM_007194.4 (MANE Select); coding-DNA position 757, A replaced by G.
Protein change: p.Lys253Glu; replaces lysine 253 with glutamic acid.
Molecular consequence: missense variant.
Genome position (GRCh38, 1-based): chr22:28,711,944, T>C on the plus strand (A>G on the coding strand, the complement: CHEK2 is on the minus strand). VCF-style: chr22-28711944-T-C. GRCh37 (hg19) VCF-style: chr22-29107932-T-C.
Other names: c.886A>G, p.Lys296Glu (NM_001005735.3); c.94A>G, p.Lys32Glu (NM_001257387.3); c.556A>G, p.Lys186Glu (NM_001349956.3); c.757A>G, p.Lys253Glu (NM_145862.3); short protein forms K253E, K186E, K296E, K32E.
Identifiers: ClinVar variation 185057 (VCV000185057.20), dbSNP rs786201896, ClinGen allele CA190895.